The following is an entry in ClinVar:

GRCh38/hg38 8q24.13(chr8:124125245-125337217)x3

Genes: FER1L6-AS2 (FER1L6 antisense RNA 2; minus strand), LINC00964 (long intergenic non-protein coding RNA 964; plus strand), MIR4662A (microRNA 4662a; plus strand), MIR4662B (microRNA 4662b; minus strand), MIR6844 (microRNA 6844; minus strand) and 75 more. Cytogenetic location: 8q24.13.
Variant type: copy number gain.
Change: copy number 3 (three copies instead of two) of chr8:124,125,245-125,337,217 (1.21 Mb, GRCh38 coordinates, 1-based), cytogenetic band 8q24.13.
Identifiers: ClinVar variation 57127 (VCV000057127.1).

ClinVar aggregate classification (germline): Pathogenic (1 of 4 stars; one submission).

Submission:

ISCA site 4
Classification: Pathogenic. Last evaluated: 2011-08-12. Review status: criteria provided, single submitter. Criteria: Kaminsky et al. (Genet Med. 2011). Collection method: clinical testing. Allele origin: de novo. Affected: yes. Observed: 1 variant allele.
Comment: Copy number variation identified through the course of routine clinical cytogenomic testing in postnatal populations. Clinical assertions have been curated as described in Kaminsky et al. 2011.